The following is an entry in ClinVar:

NM_006757.4(TNNT3):c.681+9C>T

Gene: TNNT3 (troponin T3, fast skeletal type; plus strand). Cytogenetic location: 11p15.5.
Variant type: single nucleotide variant.
Coding change: c.681+9C>T on transcript NM_006757.4 (MANE Select); 9 bases into the intron after coding-DNA position 681, C replaced by T.
Molecular consequence: intron variant.
Genome position (GRCh38, 1-based): chr11:1,934,928, C>T. VCF-style: chr11-1934928-C-T. GRCh37 (hg19) VCF-style: chr11-1956158-C-T.
Other names: c.657+9C>T (NM_001297646.2, NM_001042780.3, NM_001042782.3 and 2 more transcripts); c.714+9C>T (NM_001367846.1); c.690+9C>T (NM_001363561.2, NM_001367847.1); c.675+9C>T (NM_001042781.3, NM_001367843.1, NM_001367842.1); c.678+9C>T (NM_001367848.1); c.624+9C>T (NM_001367850.1); c.477+9C>T (NM_001367851.1, NM_001367852.1); c.669+9C>T (NM_001367849.1).
Identifiers: ClinVar variation 732526 (VCV000732526.13), dbSNP rs149996049, ClinGen allele CA5816572.

ClinVar aggregate classification (germline): Likely benign. Review status: criteria provided, multiple submitters, no conflicts (2 of 4 stars). 3 submissions from 3 submitters: Likely benign (2). 1 of the submissions does not count toward it. Last evaluated 2026-01-27.

Conditions:
TNNT3-related disorder. Also called: TNNT3-related condition.

Allele frequency attached by ClinVar (database versions not stated): 1000 Genomes Project 30x 0.00016; 1000 Genomes Project 0.00020; TOPMed 0.00056; gnomAD 0.00060; ESP Exome Variant Server 0.00085.
gnomAD v4.1: 1,222 of 1,612,730 alleles (0.076%); highest among the groups gnomAD compares: Non-Finnish European, 0.095%; 1 homozygote.

Submissions (3):

Labcorp Genetics (formerly Invitae), Labcorp
Classification: Likely benign. Last evaluated: 2026-01-27. Review status: criteria provided, single submitter. Criteria: Invitae Variant Classification Sherloc (09022015). Collection method: clinical testing. Allele origin: germline.

Blueprint Genetics
Classification: Likely benign. Last evaluated: 2024-09-30. Review status: criteria provided, single submitter. Criteria: ACMG Guidelines, 2015. Collection method: clinical testing. Allele origin: germline.

PreventionGenetics, part of Exact Sciences
Classification: Likely benign for TNNT3-related condition. Last evaluated: 2020-02-25. Review status: no assertion criteria provided. Collection method: clinical testing. Allele origin: germline. Not counted in ClinVar's aggregate classification.
Comment: This variant is classified as likely benign based on ACMG/AMP sequence variant interpretation guidelines (Richards et al. 2015 PMID: 25741868, with internal and published modifications).